The following is an entry in ClinVar:

ClinVar aggregate classification (germline): Uncertain significance (1 of 4 stars; one submission).

Allele frequency attached by ClinVar (database versions not stated): gnomAD exomes below 0.00001; ExAC 0.00001; gnomAD 0.00001; TOPMed 0.00001.

Submission:

Labcorp Genetics (formerly Invitae), Labcorp
Classification: Uncertain significance. Last evaluated: 2023-08-14. Review status: criteria provided, single submitter. Criteria: Invitae Variant Classification Sherloc (09022015). Collection method: clinical testing. Allele origin: germline.
Comment: This sequence change affects codon 765 of the ADNP mRNA. It is a 'silent' change, meaning that it does not change the encoded amino acid sequence of the ADNP protein. This variant is present in population databases (rs761646388, gnomAD 0.0009%). This variant has not been reported in the literature in individuals affected with ADNP-related conditions. Experimental studies and prediction algorithms are not available or were not evaluated, and the effect of this variant on mRNA splicing is currently unknown. In summary, the available evidence is currently insufficient to determine the role of this variant in disease. Therefore, it has been classified as a Variant of Uncertain Significance.

NM_001282531.3(ADNP):c.2295A>G (p.Glu765=)

Gene: ADNP (activity dependent neuroprotector homeobox; minus strand). Cytogenetic location: 20q13.13.
Variant type: single nucleotide variant.
Coding change: c.2295A>G on transcript NM_001282531.3 (MANE Select); coding-DNA position 2295, A replaced by G.
Protein change: p.Glu765=; no amino-acid change (glutamic acid 765 retained).
Molecular consequence: synonymous variant.
Genome position (GRCh38, 1-based): chr20:50,892,419, T>C on the plus strand (A>G on the coding strand, the complement: ADNP is on the minus strand). VCF-style: chr20-50892419-T-C. GRCh37 (hg19) VCF-style: chr20-49508956-T-C.
Other names: c.2295A>G, p.Glu765= (NM_001282532.2, NM_001347511.2, NM_015339.5 and 1 more transcripts).
Identifiers: ClinVar variation 3016116 (VCV003016116.3), dbSNP rs761646388, ClinGen allele CA9908606.
Genomic context (GRCh38, chr20:50,892,419, plus strand): 5'-TTCTCTCCTGGTGGGATAGGGCTGTTTGTTGAAATACTTTGTTAGAAAGCTTTTCCTGGC[T>C]TCATAGGAATCATCTTCATGACCCTTGGGGTCTAAAGCTAAAACAACAGGCTCTTCAGGC-3'
Protein context (NP_001269460.1, residues 755-775): DPKGHEDDSY[Glu765=]ARKSFLTKYF